The following is an entry in ClinVar:

NM_004360.5(CDH1):c.509C>T (p.Pro170Leu)

Gene: CDH1 (cadherin 1; plus strand). Cytogenetic location: 16q22.1.
Variant type: single nucleotide variant.
Coding change: c.509C>T on transcript NM_004360.5 (MANE Select); coding-DNA position 509, C replaced by T.
Protein change: p.Pro170Leu; replaces proline 170 with leucine.
Molecular consequence: missense variant. On other transcripts: 5 prime UTR variant (2).
Genome position (GRCh38, 1-based): chr16:68,808,545, C>T. VCF-style: chr16-68808545-C-T. GRCh37 (hg19) VCF-style: chr16-68842448-C-T.
Other names: c.509C>T, p.Pro170Leu (NM_001317184.2); c.-1107C>T (NM_001317185.2); c.-1311C>T (NM_001317186.2); c.509C>T (NM_004360.3); short protein forms P170L.
Identifiers: ClinVar variation 1509013 (VCV001509013.7), dbSNP rs2152129802, ClinGen allele CA396457778.

ClinVar aggregate classification (germline): Uncertain significance. Review status: criteria provided, multiple submitters, no conflicts (2 of 4 stars). 2 submissions from 2 submitters: Uncertain significance (2). Last evaluated 2024-03-06.

Conditions:
Hereditary cancer-predisposing syndrome. Also called: Neoplastic Syndromes, Hereditary; Hereditary Cancer Syndrome; Tumor predisposition; Hereditary neoplastic syndrome. Identifiers: Orphanet 140162, MedGen C0027672, MeSH D009386, MONDO:0015356.
Hereditary diffuse gastric adenocarcinoma (HDGC). Also called: DIFFUSE GASTRIC AND LOBULAR BREAST CANCER SYNDROME. Identifiers: Orphanet 26106, MedGen C1708349, MONDO:0007648, OMIM 137215.

gnomAD v4.1: 1 of 1,614,170 alleles (0.000062%); highest among the groups gnomAD compares: African/African-American, 0.0013%; no homozygotes.

Submissions (2):

Labcorp Genetics (formerly Invitae), Labcorp
Classification: Uncertain significance for Hereditary diffuse gastric adenocarcinoma. Last evaluated: 2024-03-06. Review status: criteria provided, single submitter. Criteria: Invitae Variant Classification Sherloc (09022015). Collection method: clinical testing. Allele origin: germline.
Comment: This sequence change replaces proline, which is neutral and non-polar, with leucine, which is neutral and non-polar, at codon 170 of the CDH1 protein (p.Pro170Leu). This variant is not present in population databases (gnomAD no frequency). This variant has not been reported in the literature in individuals affected with CDH1-related conditions. ClinVar contains an entry for this variant (Variation ID: 1509013). An algorithm developed to predict the effect of missense changes on protein structure and function (PolyPhen-2) suggests that this variant is likely to be disruptive. In summary, the available evidence is currently insufficient to determine the role of this variant in disease. Therefore, it has been classified as a Variant of Uncertain Significance.

Ambry Genetics
Classification: Uncertain significance for Hereditary cancer-predisposing syndrome. Last evaluated: 2024-02-22. Review status: criteria provided, single submitter. Criteria: Ambry Variant Classification Scheme 2023. Collection method: clinical testing. Allele origin: germline.
Comment: The p.P170L variant (also known as c.509C>T), located in coding exon 4 of the CDH1 gene, results from a C to T substitution at nucleotide position 509. The proline at codon 170 is replaced by leucine, an amino acid with similar properties. This amino acid position is well conserved in available vertebrate species. In addition, this alteration is predicted to be tolerated by in silico analysis. Based on the available evidence, the clinical significance of this alteration remains unclear.